The following is an entry in ClinVar:

ClinVar aggregate classification (germline): Uncertain significance (1 of 4 stars; one submission).

Conditions:
Parenti-mignot neurodevelopmental syndrome. Identifiers: MedGen C5676984, MONDO:0859249, OMIM 619873.

Submission:

Clinical Genomics Laboratory, Washington University in St. Louis
Classification: Uncertain significance for Parenti-mignot neurodevelopmental syndrome. Last evaluated: 2023-09-22. Review status: criteria provided, single submitter. Criteria: ACMG Guidelines, 2015. Collection method: clinical testing. Allele origin: germline.
Comment: The CHD5 c.4640C>T (p.Pro1547Leu) variant, to our knowledge, has not been reported in the medical literature and is absent from the general population (gnomAD v.2.1.1), indicating it is not a common variant. This variant is in a disordered region of the protein without known function and with frequent gnomAD missense variation (MutScore), but computational predictors indicate that the variant is damaging, evidence that correlates with impact to CHD5 function. Due to limited information, and based on ACMG/AMP guidelines for variant interpretation (Richards S et al., PMID: 25741868), the clinical significance of this variant is uncertain at this time.

NM_015557.3(CHD5):c.4640C>T (p.Pro1547Leu)

Gene: CHD5 (chromodomain helicase DNA binding protein 5; minus strand). Cytogenetic location: 1p36.31.
Variant type: single nucleotide variant.
Coding change: c.4640C>T on transcript NM_015557.3 (MANE Select); coding-DNA position 4640, C replaced by T.
Protein change: p.Pro1547Leu; replaces proline 1547 with leucine.
Molecular consequence: missense variant.
Genome position (GRCh38, 1-based): chr1:6,124,007, G>A on the plus strand (C>T on the coding strand, the complement: CHD5 is on the minus strand). VCF-style: chr1-6124007-G-A. GRCh37 (hg19) VCF-style: chr1-6184067-G-A.
Other names: short protein forms P1547L.
Identifiers: ClinVar variation 2672145 (VCV002672145.1), dbSNP rs2525363143, ClinGen allele CA338071259.